The following is an entry in ClinVar:

ClinVar aggregate classification (germline): Uncertain significance (1 of 4 stars; one submission).

Submission:

Labcorp Genetics (formerly Invitae), Labcorp
Classification: Uncertain significance. Last evaluated: 2022-10-23. Review status: criteria provided, single submitter. Criteria: Invitae Variant Classification Sherloc (09022015). Collection method: clinical testing. Allele origin: germline.
Comment: In summary, the available evidence is currently insufficient to determine the role of this variant in disease. Therefore, it has been classified as a Variant of Uncertain Significance. This sequence change replaces glutamine, which is neutral and polar, with histidine, which is basic and polar, at codon 427 of the LBR protein (p.Gln427His). This variant is not present in population databases (gnomAD no frequency). This variant has not been reported in the literature in individuals affected with LBR-related conditions. Advanced modeling of protein sequence and biophysical properties (such as structural, functional, and spatial information, amino acid conservation, physicochemical variation, residue mobility, and thermodynamic stability) performed at Invitae indicates that this missense variant is not expected to disrupt LBR protein function.

NM_002296.4(LBR):c.1281G>C (p.Gln427His)

Gene: LBR (lamin B receptor; minus strand). Cytogenetic location: 1q42.12.
Variant type: single nucleotide variant.
Coding change: c.1281G>C on transcript NM_002296.4 (MANE Select); coding-DNA position 1281, G replaced by C.
Protein change: p.Gln427His; replaces glutamine 427 with histidine.
Molecular consequence: missense variant.
Genome position (GRCh38, 1-based): chr1:225,410,324, C>G on the plus strand (G>C on the coding strand, the complement: LBR is on the minus strand). VCF-style: chr1-225410324-C-G. GRCh37 (hg19) VCF-style: chr1-225598026-C-G.
Other names: c.1281G>C, p.Gln427His (NM_194442.3); short protein forms Q427H.
Identifiers: ClinVar variation 1721700 (VCV001721700.5), dbSNP rs2527789975, ClinGen allele CA344995892.